The following is an entry in ClinVar:

ClinVar aggregate classification (germline): Uncertain significance. Review status: criteria provided, single submitter (1 of 4 stars). 2 submissions from 2 submitters: Uncertain significance (1). 1 of the submissions does not count toward it. Last evaluated 2025-06-11.

Conditions:
Diamond-Blackfan anemia. Also called: Blackfan Diamond syndrome; Aregenerative anemia chronic congenital; Red cell aplasia, pure hereditary; Congenital hypoplastic anemia; Aase syndrome. Identifiers: Orphanet 124, MedGen C1260899, MeSH D029503, MONDO:0015253, HP:0004810.

Submissions (2):

Labcorp Genetics (formerly Invitae), Labcorp
Classification: Uncertain significance. Last evaluated: 2025-06-11. Review status: criteria provided, single submitter. Criteria: Invitae Variant Classification Sherloc (09022015). Collection method: clinical testing. Allele origin: germline.
Comment: This variant occurs in a non-coding region of the RPL9 gene. It does not change the encoded amino acid sequence of the RPL9 protein. It affects a nucleotide within the consensus splice site. This variant is not present in population databases (gnomAD no frequency). This variant has not been reported in the literature in individuals affected with RPL9-related conditions. ClinVar contains an entry for this variant (Variation ID: 3764088). Variants that disrupt the consensus splice site are a relatively common cause of aberrant splicing (PMID: 17576681, 9536098). Algorithms developed to predict the effect of sequence changes on RNA splicing suggest that this variant may disrupt the consensus splice site. In summary, the available evidence is currently insufficient to determine the role of this variant in disease. Therefore, it has been classified as a Variant of Uncertain Significance.

Molecular Genetics Laboratory, BC Children's and BC Women's Hospitals
Classification: Likely pathogenic for Diamond-Blackfan anemia. Last evaluated: 2024-09-27. Review status: no assertion criteria provided. Criteria: ACMG Guidelines, 2015. Collection method: clinical testing. Allele origin: de novo. Affected: yes. Not counted in ClinVar's aggregate classification.

Literature cited by the submitters: PubMed 17576681 (cited by Labcorp Genetics (formerly Invitae), Labcorp); PubMed 9536098 (cited by Labcorp Genetics (formerly Invitae), Labcorp).

NM_000661.5(RPL9):c.-2+1G>T

Genes: RPL9 (ribosomal protein L9; minus strand), LOC112939935 (Sharpr-MPRA regulatory region 11886; plus strand). Cytogenetic location: 4p14.
Variant type: single nucleotide variant.
Coding change: c.-2+1G>T on transcript NM_000661.5 (MANE Select); the canonical splice donor site of the intron after 2 bases upstream of the start codon, G replaced by T.
Molecular consequence: splice donor variant.
Genome position (GRCh38, 1-based): chr4:39,458,890, C>A on the plus strand (G>T on the coding strand, the complement: RPL9 is on the minus strand). VCF-style: chr4-39458890-C-A. GRCh37 (hg19) VCF-style: chr4-39460510-C-A.
Other names: c.-160+1G>T (NM_001024921.4).
Identifiers: ClinVar variation 3764088 (VCV003764088.2).